The following is an entry in ClinVar:

NM_005732.4(RAD50):c.2902G>T (p.Gly968Trp)

Gene: RAD50 (RAD50 double strand break repair protein; plus strand). Cytogenetic location: 5q31.1.
Variant type: single nucleotide variant.
Coding change: c.2902G>T on transcript NM_005732.4 (MANE Select); coding-DNA position 2902, G replaced by T.
Protein change: p.Gly968Trp; replaces glycine 968 with tryptophan.
Molecular consequence: missense variant.
Genome position (GRCh38, 1-based): chr5:132,609,189, G>T. VCF-style: chr5-132609189-G-T. GRCh37 (hg19) VCF-style: chr5-131944881-G-T.
Other names: short protein forms G968W.
Identifiers: ClinVar variation 1442208 (VCV001442208.8), dbSNP rs2149849723, ClinGen allele CA360959943.
Genomic context (GRCh38, chr5:132,609,189, plus strand): 5'-AAAGAGAAGGTTAAAAATATTCATGGCTATATGAAAGACATTGAGAATTATATTCAAGAT[G>T]GGAAAGACGACTATAAGAAGGTAATTTAAAACTTAAAATTATTTATTTGATTGTATTTTT-3'
Protein context (NP_005723.2, residues 958-978): MKDIENYIQD[Gly968Trp]KDDYKKQKET

ClinVar aggregate classification (germline): Uncertain significance (1 of 4 stars; one submission).

Conditions:
Hereditary cancer-predisposing syndrome. Also called: Tumor predisposition; Hereditary Cancer Syndrome; Hereditary neoplastic syndrome; Neoplastic Syndromes, Hereditary. Identifiers: Orphanet 140162, MedGen C0027672, MeSH D009386, MONDO:0015356.

gnomAD v4.1: 1 of 1,611,564 alleles (0.000062%); no homozygotes.

Submission:

Labcorp Genetics (formerly Invitae), Labcorp
Classification: Uncertain significance for Hereditary cancer-predisposing syndrome. Last evaluated: 2025-07-31. Review status: criteria provided, single submitter. Criteria: Invitae Variant Classification Sherloc (09022015). Collection method: clinical testing. Allele origin: germline.
Comment: This sequence change replaces glycine, which is neutral and non-polar, with tryptophan, which is neutral and slightly polar, at codon 968 of the RAD50 protein (p.Gly968Trp). This variant is not present in population databases (gnomAD no frequency). This variant has not been reported in the literature in individuals affected with RAD50-related conditions. ClinVar contains an entry for this variant (Variation ID: 1442208). Invitae Evidence Modeling of protein sequence and biophysical properties (such as structural, functional, and spatial information, amino acid conservation, physicochemical variation, residue mobility, and thermodynamic stability) indicates that this missense variant is expected to disrupt RAD50 protein function with a positive predictive value of 80%. In summary, the available evidence is currently insufficient to determine the role of this variant in disease. Therefore, it has been classified as a Variant of Uncertain Significance.